The following is an entry in ClinVar:

ClinVar aggregate classification (germline): Uncertain significance (1 of 4 stars; one submission).

Submission:

Dasa
Classification: Uncertain significance. Last evaluated: 2026-04-28. Review status: criteria provided, single submitter. Criteria: DASA Assertion Criteria. Collection method: clinical testing. Allele origin: germline.
Comment: NM_004070.4(CLCNKA):c.985G>C (p.Ala329Pro) is a missense variant that results in the substitution of alanine with proline. This variant is rare in population databases. Computational prediction algorithms are consistent with a deleterious effect. The currently available literature and clinical evidence are not sufficient to establish a definitive association between this variant and the reported condition. Therefore, this variant is classified as a variant of uncertain significance.

NM_004070.4(CLCNKA):c.985G>C (p.Ala329Pro)

Genes: CLCNKA (chloride voltage-gated channel Ka; plus strand), LOC106501712 (CLCNKA recombination region; plus strand). Cytogenetic location: 1p36.13.
Variant type: single nucleotide variant.
Coding change: c.985G>C on transcript NM_004070.4 (MANE Select); coding-DNA position 985, G replaced by C.
Protein change: p.Ala329Pro; replaces alanine 329 with proline.
Molecular consequence: missense variant.
Genome position (GRCh38, 1-based): chr1:16,028,777, G>C. VCF-style: chr1-16028777-G-C. GRCh37 (hg19) VCF-style: chr1-16355272-G-C.
Other names: c.985G>C, p.Ala329Pro (NM_001042704.2); c.856G>C, p.Ala286Pro (NM_001257139.2); short protein forms A286P, A329P.
Identifiers: ClinVar variation 5020664 (VCV005020664.1).